The following is an entry in ClinVar:

ClinVar aggregate classification (germline): Uncertain significance (1 of 4 stars; one submission).

Allele frequency attached by ClinVar (database versions not stated): TOPMed below 0.00001; ExAC 0.00001; gnomAD exomes 0.00001.
gnomAD v4.1: 12 of 1,613,322 alleles (0.00074%); highest among the groups gnomAD compares: East Asian, 0.0045%; no homozygotes.

Submission:

Labcorp Genetics (formerly Invitae), Labcorp
Classification: Uncertain significance. Last evaluated: 2022-05-10. Review status: criteria provided, single submitter. Criteria: Invitae Variant Classification Sherloc (09022015). Collection method: clinical testing. Allele origin: germline.
Comment: This sequence change replaces arginine, which is basic and polar, with histidine, which is basic and polar, at codon 313 of the NBAS protein (p.Arg313His). This variant is present in population databases (rs748375919, gnomAD 0.006%). This variant has not been reported in the literature in individuals affected with NBAS-related conditions. Algorithms developed to predict the effect of missense changes on protein structure and function output the following: SIFT: "Deleterious"; PolyPhen-2: "Benign"; Align-GVGD: "Class C25". The histidine amino acid residue is found in multiple mammalian species, which suggests that this missense change does not adversely affect protein function. In summary, the available evidence is currently insufficient to determine the role of this variant in disease. Therefore, it has been classified as a Variant of Uncertain Significance.

NM_015909.4(NBAS):c.938G>A (p.Arg313His)

Gene: NBAS (NBAS subunit of NRZ tethering complex; minus strand). Cytogenetic location: 2p24.3.
Variant type: single nucleotide variant.
Coding change: c.938G>A on transcript NM_015909.4 (MANE Select); coding-DNA position 938, G replaced by A.
Protein change: p.Arg313His; replaces arginine 313 with histidine.
Molecular consequence: missense variant. On other transcripts: non-coding transcript variant (1).
Genome position (GRCh38, 1-based): chr2:15,504,161, C>T on the plus strand (G>A on the coding strand, the complement: NBAS is on the minus strand). VCF-style: chr2-15504161-C-T. GRCh37 (hg19) VCF-style: chr2-15644285-C-T.
Other names: short protein forms R313H.
Identifiers: ClinVar variation 2063634 (VCV002063634.2), dbSNP rs748375919, ClinGen allele CA1536858.